The following is an entry in ClinVar:

NM_006059.4(LAMC3):c.236C>T (p.Ala79Val)

Gene: LAMC3 (laminin subunit gamma 3; plus strand). Cytogenetic location: 9q34.12.
Variant type: single nucleotide variant.
Coding change: c.236C>T on transcript NM_006059.4 (MANE Select); coding-DNA position 236, C replaced by T.
Protein change: p.Ala79Val; replaces alanine 79 with valine.
Molecular consequence: missense variant.
Genome position (GRCh38, 1-based): chr9:131,009,450, C>T. VCF-style: chr9-131009450-C-T. GRCh37 (hg19) VCF-style: chr9-133884837-C-T.
Other names: c.236C>T (NM_006059.3); short protein forms A79V.
Identifiers: ClinVar variation 376996 (VCV000376996.10), dbSNP rs772194826, ClinGen allele CA5286638.

ClinVar aggregate classification (germline): Uncertain significance. Review status: criteria provided, multiple submitters, no conflicts (2 of 4 stars). 4 submissions from 4 submitters: Uncertain significance (4). Last evaluated 2025-07-04.

Conditions:
Occipital pachygyria and polymicrogyria. Identifiers: Orphanet 280640, MedGen C3279875, MONDO:0013583, OMIM 614115.
Inborn genetic diseases. Identifiers: MedGen C0950123, MeSH D030342.

Allele frequency attached by ClinVar (database versions not stated): gnomAD exomes 0.00009; gnomAD 0.00012 and 0.00014; ExAC below 0.00001; TOPMed 0.00010.
gnomAD v4.1: 317 of 1,547,042 alleles (0.02%); highest among the groups gnomAD compares: Non-Finnish European, 0.026%; no homozygotes.

Submissions (4):

Ambry Genetics
Classification: Uncertain significance for Inborn genetic diseases. Last evaluated: 2025-07-04. Review status: criteria provided, single submitter. Criteria: Ambry Variant Classification Scheme 2023. Collection method: clinical testing. Allele origin: germline.

Labcorp Genetics (formerly Invitae), Labcorp
Classification: Uncertain significance. Last evaluated: 2024-01-06. Review status: criteria provided, single submitter. Criteria: Invitae Variant Classification Sherloc (09022015). Collection method: clinical testing. Allele origin: germline.
Comment: This sequence change replaces alanine, which is neutral and non-polar, with valine, which is neutral and non-polar, at codon 79 of the LAMC3 protein (p.Ala79Val). This variant is present in population databases (rs772194826, gnomAD 0.02%). This variant has not been reported in the literature in individuals affected with LAMC3-related conditions. ClinVar contains an entry for this variant (Variation ID: 376996). An algorithm developed to predict the effect of missense changes on protein structure and function (PolyPhen-2) suggests that this variant is likely to be disruptive. In summary, the available evidence is currently insufficient to determine the role of this variant in disease. Therefore, it has been classified as a Variant of Uncertain Significance.

GeneDx
Classification: Uncertain significance. Last evaluated: 2023-02-08. Review status: criteria provided, single submitter. Criteria: GeneDx Variant Classification Process June 2021. Collection method: clinical testing. Allele origin: germline. Affected: yes.
Comment: In silico analysis supports that this missense variant does not alter protein structure/function; Has not been previously published as pathogenic or benign to our knowledge

Center for Pediatric Genomic Medicine, Children's Mercy Hospital and Clinics
Classification: Uncertain significance. Last evaluated: 2017-01-31. Review status: criteria provided, single submitter. Criteria: ACMG Guidelines, 2015. Collection method: clinical testing. Allele origin: germline.
ClinVar note: Converted during submission from Uncertain Significance to Uncertain significance.